The following is an entry in ClinVar:

NM_000257.4(MYH7):c.2275G>T (p.Gly759Cys)

Gene: MYH7 (myosin heavy chain 7; minus strand). Cytogenetic location: 14q11.2.
Variant type: single nucleotide variant.
Coding change: c.2275G>T on transcript NM_000257.4 (MANE Select); coding-DNA position 2275, G replaced by T.
Protein change: p.Gly759Cys; replaces glycine 759 with cysteine.
Molecular consequence: missense variant.
Genome position (GRCh38, 1-based): chr14:23,425,706, C>A on the plus strand (G>T on the coding strand, the complement: MYH7 is on the minus strand). VCF-style: chr14-23425706-C-A. GRCh37 (hg19) VCF-style: chr14-23894915-C-A.
Other names: c.2275G>T, p.Gly759Cys (NM_001407004.1); short protein forms G759C.
Identifiers: ClinVar variation 1721153 (VCV001721153.7), dbSNP rs2502287927, ClinGen allele CA389048761.
Genomic context (GRCh38, chr14:23,425,706, plus strand): 5'-CAATGGAAAAGAGATGTCTTCCTTTAATTAATTAGTCTCCTTTCCTCACCTTGGTGTGGC[C>A]AAACTTGTACTGGTTGTGATCAATGTCCAGGGAGCTGAGCAGCTTCTCTGCCCCCTTCCT-3'
Protein context (NP_000248.2, residues 749-769): LDIDHNQYKF[Gly759Cys]HTKVFFKAGL

ClinVar aggregate classification (germline): Uncertain significance. Review status: criteria provided, multiple submitters, no conflicts (2 of 4 stars). 2 submissions from 2 submitters: Uncertain significance (2). Last evaluated 2024-01-25.

Conditions:
Cardiovascular phenotype. Identifiers: MedGen CN230736.
Hypertrophic cardiomyopathy. Also called: HYPERTROPHIC MYOCARDIOPATHY. Identifiers: Orphanet 217569, MedGen C0007194, MeSH D002312, MONDO:0005045, HP:0001639.

Submissions (2):

Labcorp Genetics (formerly Invitae), Labcorp
Classification: Uncertain significance for Hypertrophic cardiomyopathy. Last evaluated: 2024-01-25. Review status: criteria provided, single submitter. Criteria: Invitae Variant Classification Sherloc (09022015). Collection method: clinical testing. Allele origin: germline.
Comment: This sequence change replaces glycine, which is neutral and non-polar, with cysteine, which is neutral and slightly polar, at codon 759 of the MYH7 protein (p.Gly759Cys). This variant is not present in population databases (gnomAD no frequency). This variant has not been reported in the literature in individuals affected with MYH7-related conditions. ClinVar contains an entry for this variant (Variation ID: 1721153). Advanced modeling of protein sequence and biophysical properties (such as structural, functional, and spatial information, amino acid conservation, physicochemical variation, residue mobility, and thermodynamic stability) performed at Invitae indicates that this missense variant is expected to disrupt MYH7 protein function with a positive predictive value of 95%. In summary, the available evidence is currently insufficient to determine the role of this variant in disease. Therefore, it has been classified as a Variant of Uncertain Significance.

Ambry Genetics
Classification: Uncertain significance for Cardiovascular phenotype. Last evaluated: 2020-06-01. Review status: criteria provided, single submitter. Criteria: Ambry Variant Classification Scheme 2023. Collection method: clinical testing. Allele origin: germline.
Comment: The p.G759C variant (also known as c.2275G>T), located in coding exon 18 of the MYH7 gene, results from a G to T substitution at nucleotide position 2275. The glycine at codon 759 is replaced by cysteine, an amino acid with highly dissimilar properties. This amino acid position is highly conserved in available vertebrate species. In addition, this alteration is predicted to be deleterious by in silico analysis. Since supporting evidence is limited at this time, the clinical significance of this alteration remains unclear.